The following is an entry in ClinVar:

ClinVar aggregate classification (germline): Uncertain significance. Review status: criteria provided, multiple submitters, no conflicts (2 of 4 stars). 3 submissions from 3 submitters: Uncertain significance (2). 1 of the submissions does not count toward it. Last evaluated 2026-06-10.

Conditions:
Amyotrophic lateral sclerosis type 21. Also called: MYOPATHY, DISTAL, 2; VOCAL CORD AND PHARYNGEAL DYSFUNCTION WITH DISTAL MYOPATHY. Identifiers: Orphanet 600, Orphanet 803, MedGen C3807521, MONDO:0011632, OMIM 606070.

Allele frequency attached by ClinVar (database versions not stated): gnomAD exomes below 0.00001; 1000 Genomes Project 30x 0.00016; gnomAD 0.00001; TOPMed 0.00001.
gnomAD v4.1: 29 of 1,614,184 alleles (0.0018%); highest among the groups gnomAD compares: African/African-American, 0.0027%; no homozygotes.

Submissions (3):

Women's Health and Genetics/Laboratory Corporation of America, LabCorp
Classification: Uncertain significance. Last evaluated: 2026-06-10. Review status: criteria provided, single submitter. Criteria: LabCorp Variant Classification Summary - May 2015. Collection method: clinical testing. Allele origin: germline.
Comment: Variant summary: MATR3 c.1864A>G (p.Thr622Ala) results in a non-conservative amino acid change in the encoded protein sequence. Algorithms developed to predict the effect of missense changes on protein structure and function are either unavailable or do not agree on the potential impact of this missense change. The variant allele was found at a frequency of 4e-06 in 250976 control chromosomes (gnomAD). The available data on variant occurrences in the general population are insufficient to allow any conclusion about variant significance. c.1864A>G has been observed in individuals affected with amyotrophic lateral sclerosis (e.g. Johnson_2014). This report does not provide unequivocal conclusions about association of the variant with disease. Publications report experimental evidence evaluating an impact on protein function, however, do not allow convincing conclusions about the variant effect (e.g. Johnson_2014, Gallego-Iradi_2015). The following publications have been ascertained in the context of this evaluation (PMID: 24686783, 26528920). ClinVar contains an entry for this variant (Variation ID: 126562). Based on the evidence outlined above, the variant was classified as uncertain significance.

Labcorp Genetics (formerly Invitae), Labcorp
Classification: Uncertain significance for Amyotrophic lateral sclerosis type 21. Last evaluated: 2022-11-17. Review status: criteria provided, single submitter. Criteria: Invitae Variant Classification Sherloc (09022015). Collection method: clinical testing. Allele origin: germline.
Comment: Advanced modeling of protein sequence and biophysical properties (such as structural, functional, and spatial information, amino acid conservation, physicochemical variation, residue mobility, and thermodynamic stability) performed at Invitae indicates that this missense variant is not expected to disrupt MATR3 protein function. ClinVar contains an entry for this variant (Variation ID: 126562). This missense change has been observed in individual(s) with clinical features of amyotrophic lateral sclerosis (PMID: 24686783; Invitae). It has also been observed to segregate with disease in related individuals. This variant is present in population databases (rs587777301, gnomAD 0.0009%). This sequence change replaces threonine, which is neutral and polar, with alanine, which is neutral and non-polar, at codon 622 of the MATR3 protein (p.Thr622Ala). In summary, the available evidence is currently insufficient to determine the role of this variant in disease. Therefore, it has been classified as a Variant of Uncertain Significance. Experimental studies are conflicting or provide insufficient evidence to determine the effect of this variant on MATR3 function (PMID: 24686783, 26528920, 29109432, 30015619).

OMIM
Classification: Pathogenic for AMYOTROPHIC LATERAL SCLEROSIS 21. Last evaluated: 2014-03-30. Review status: no assertion criteria provided. Collection method: literature only. Allele origin: germline. Not counted in ClinVar's aggregate classification.

Literature cited by the submitters: PubMed 26528920 (cited by Women's Health and Genetics/Laboratory Corporation of America, LabCorp and Labcorp Genetics (formerly Invitae), Labcorp); PubMed 24686783 (cited by 3 submitters); PubMed 29109432 (cited by Labcorp Genetics (formerly Invitae), Labcorp); PubMed 30015619 (cited by Labcorp Genetics (formerly Invitae), Labcorp).

NM_018834.6(MATR3):c.1864A>G (p.Thr622Ala)

Genes: MATR3 (matrin 3; plus strand), LOC126807526 (CDK7 strongly-dependent group 2 enhancer GRCh37_chr5:138657767-138658966; plus strand). Cytogenetic location: 5q31.2.
Variant type: single nucleotide variant.
Coding change: c.1864A>G on transcript NM_018834.6 (MANE Select); coding-DNA position 1864, A replaced by G.
Protein change: p.Thr622Ala; replaces threonine 622 with alanine.
Molecular consequence: missense variant.
Genome position (GRCh38, 1-based): chr5:139,322,683, A>G. VCF-style: chr5-139322683-A-G. GRCh37 (hg19) VCF-style: chr5-138658372-A-G.
Other names: c.1864A>G, p.Thr622Ala (NM_001194954.2, NM_001194955.2, NM_199189.3); c.1000A>G, p.Thr334Ala (NM_001194956.2); c.850A>G, p.Thr284Ala (NM_001282278.2); short protein forms T622A, T284A, T334A.
Identifiers: ClinVar variation 126562 (VCV000126562.6), dbSNP rs587777301, ClinGen allele CA151204.